The following is an entry in ClinVar:

NM_000179.3(MSH6):c.1594T>C (p.Ser532Pro)

Gene: MSH6 (mutS homolog 6; plus strand). Cytogenetic location: 2p16.3.
Variant type: single nucleotide variant.
Coding change: c.1594T>C on transcript NM_000179.3 (MANE Select); coding-DNA position 1594, T replaced by C.
Protein change: p.Ser532Pro; replaces serine 532 with proline.
Molecular consequence: missense variant.
Genome position (GRCh38, 1-based): chr2:47,799,577, T>C. VCF-style: chr2-47799577-T-C. GRCh37 (hg19) VCF-style: chr2-48026716-T-C.
Other names: c.1204T>C, p.Ser402Pro (NM_001281492.2); c.688T>C, p.Ser230Pro (NM_001281493.2, NM_001281494.2); short protein forms S532P, S230P, S402P.
Identifiers: ClinVar variation 572882 (VCV000572882.9), dbSNP rs1558662224, ClinGen allele CA346746919.

ClinVar aggregate classification (germline): Uncertain significance (1 of 4 stars; one submission).

Conditions:
Hereditary nonpolyposis colorectal neoplasms. Identifiers: MedGen C0009405, MeSH D003123.

Submission:

Labcorp Genetics (formerly Invitae), Labcorp
Classification: Uncertain significance for Hereditary nonpolyposis colorectal neoplasms. Last evaluated: 2020-02-26. Review status: criteria provided, single submitter. Criteria: Invitae Variant Classification Sherloc (09022015). Collection method: clinical testing. Allele origin: germline.
Comment: This sequence change replaces serine with proline at codon 532 of the MSH6 protein (p.Ser532Pro). The serine residue is moderately conserved and there is a moderate physicochemical difference between serine and proline. This variant is not present in population databases (ExAC no frequency). This variant has not been reported in the literature in individuals with MSH6-related disease. Algorithms developed to predict the effect of missense changes on protein structure and function do not agree on the potential impact of this missense change (SIFT: "Tolerated"; PolyPhen-2: "Probably Damaging"; Align-GVGD: "Class C0"). In summary, the available evidence is currently insufficient to determine the role of this variant in disease. Therefore, it has been classified as a Variant of Uncertain Significance.